The following is an entry in ClinVar:

NM_005629.4(SLC6A8):c.262+3G>A

Gene: SLC6A8 (solute carrier family 6 member 8; plus strand). Cytogenetic location: Xq28.
Variant type: single nucleotide variant.
Coding change: c.262+3G>A on transcript NM_005629.4 (MANE Select); 3 bases into the intron after coding-DNA position 262, G replaced by A.
Molecular consequence: intron variant.
Genome position (GRCh38, 1-based): chrX:153,688,839, G>A. VCF-style: chrX-153688839-G-A. GRCh37 (hg19) VCF-style: chrX-152954294-G-A.
Other names: c.262+3G>A (NM_001142805.2).
Identifiers: ClinVar variation 4821989 (VCV004821989.4).

ClinVar aggregate classification (germline): Likely benign (1 of 4 stars; one submission).

gnomAD v4.1: 5 of 1,094,964 alleles (0.00046%); highest among the groups gnomAD compares: Non-Finnish European, 0.0006%; no homozygotes.

Submission:

CeGaT Center for Human Genetics Tuebingen
Classification: Likely benign. Last evaluated: 2026-03-01. Review status: criteria provided, single submitter. Criteria: CeGaT Center For Human Genetics Tuebingen Variant Classification Criteria Version 2. Collection method: clinical testing. Allele origin: germline. Affected: yes. Observed: 1 variant allele.
Comment: SLC6A8: BP4